The following is an entry in ClinVar:

NM_001374736.1(DST):c.23234G>A (p.Gly7745Glu)

Gene: DST (dystonin; minus strand). Cytogenetic location: 6p12.1.
Variant type: single nucleotide variant.
Coding change: c.23234G>A on transcript NM_001374736.1 (MANE Select); coding-DNA position 23234, G replaced by A.
Protein change: p.Gly7745Glu; replaces glycine 7745 with glutamic acid.
Molecular consequence: missense variant.
Genome position (GRCh38, 1-based): chr6:56,459,228, C>T on the plus strand (G>A on the coding strand, the complement: DST is on the minus strand). VCF-style: chr6-56459228-C-T. GRCh37 (hg19) VCF-style: chr6-56324026-C-T.
Other names: c.16805G>A, p.Gly5602Glu (NM_001144769.5); c.16391G>A, p.Gly5464Glu (NM_001144770.2); c.23162G>A, p.Gly7721Glu (NM_001374722.1); c.22163G>A, p.Gly7388Glu (NM_001374729.1); c.15905G>A, p.Gly5302Glu (NM_001374730.1); c.23189G>A, p.Gly7730Glu (NM_001374734.1); c.16253G>A, p.Gly5418Glu (NM_001386100.1); c.15293G>A, p.Gly5098Glu (NM_015548.5); and 1 more; short protein forms G5424E, G5602E, G7721E, G7745E, G5418E, G5302E, G5464E, G7388E.
Identifiers: ClinVar variation 1462829 (VCV001462829.6), dbSNP rs2152366408, ClinGen allele CA364503414.
Genomic context (GRCh38, chr6:56,459,228, plus strand): 5'-ATGTCAAAGTCTGATGCATCACTGCCTCGGCGGCTGCTGGCCCTGCTGCCAGCTTTGCTT[C>T]CAGCTCGACTTCCTGGTCGGCTGGGAGTCTTCTTGGAATCTGAGGAAAGAAGGTAGAGAC-3'
Protein context (NP_001361665.1, residues 7735-7755): KTPSRPGSRA[Gly7745Glu]SKAGSRASSR

ClinVar aggregate classification (germline): Uncertain significance (1 of 4 stars; one submission).

Conditions:
Hereditary sensory and autonomic neuropathy type 6. Also called: Neuropathy, hereditary sensory and autonomic, type VI; HSAN VI. Identifiers: Orphanet 314381, MedGen C3539003, MONDO:0013839, OMIM 614653.
Epidermolysis bullosa simplex 3, localized or generalized intermediate, with BP230 deficiency (EBS3). Also called: Epidermolysis bullosa simplex due to BP230 deficiency; Epidermolysis bullosa simplex, autosomal recessive 2. Identifiers: Orphanet 412181, MedGen C3809470, MONDO:0014180, OMIM 615425.

Submission:

Labcorp Genetics (formerly Invitae), Labcorp
Classification: Uncertain significance for Epidermolysis bullosa simplex 3, localized or generalized intermediate, with BP230 deficiency; Hereditary sensory and autonomic neuropathy type 6. Last evaluated: 2021-04-18. Review status: criteria provided, single submitter. Criteria: Invitae Variant Classification Sherloc (09022015). Collection method: clinical testing. Allele origin: germline.
Comment: This variant is not present in population databases (ExAC no frequency). This sequence change replaces glycine with glutamic acid at codon 5098 of the DST protein (p.Gly5098Glu). The DST gene has multiple clinically relevant transcripts. This variant occurs in alternate transcript NM_015548.4, and corresponds to NM_001723.5:c.*156289G>A in the primary transcript. This variant has not been reported in the literature in individuals with DST-related conditions. In summary, the available evidence is currently insufficient to determine the role of this variant in disease. Therefore, it has been classified as a Variant of Uncertain Significance. Experimental studies and prediction algorithms are not available or were not evaluated, and the functional significance of this variant is currently unknown.